The following is an entry in ClinVar:

ClinVar aggregate classification (germline): Likely benign. Review status: criteria provided, multiple submitters, no conflicts (2 of 4 stars). 9 submissions from 8 submitters: Likely benign (9). Last evaluated 2025-09-20.

Conditions:
Adams-Oliver syndrome 5 (AOS5). Identifiers: Orphanet 974, MedGen C4014970, MONDO:0014459, OMIM 616028.
Connective tissue disorder. Also called: Connective tissue disease. Identifiers: MedGen C0009782, MONDO:0003900.
Familial thoracic aortic aneurysm and aortic dissection (TAAD). Also called: Thoracic aortic aneurysms and dissections. Identifiers: Orphanet 91387, MedGen C4707243, MONDO:0019625.
Aortic valve disease 1 (AOVD1). Identifiers: MedGen C3887892, MONDO:0024523, OMIM 109730.

Allele frequency attached by ClinVar (database versions not stated): ExAC 0.00006; TOPMed 0.00006; ESP Exome Variant Server 0.00008; gnomAD 0.00010.
gnomAD v4.1: 168 of 1,610,194 alleles (0.01%); highest among the groups gnomAD compares: Non-Finnish European, 0.013%; 1 homozygote.

Submissions (9):

Labcorp Genetics (formerly Invitae), Labcorp
Classification: Likely benign for Adams-Oliver syndrome 5. Last evaluated: 2025-09-20. Review status: criteria provided, single submitter. Criteria: Invitae Variant Classification Sherloc (09022015). Collection method: clinical testing. Allele origin: germline.

Blueprint Genetics
Classification: Likely benign. Last evaluated: 2024-11-27. Review status: criteria provided, single submitter. Criteria: ACMG Guidelines, 2015. Collection method: clinical testing. Allele origin: germline.

ARUP Laboratories, Molecular Genetics and Genomics, ARUP Laboratories
Classification: Likely benign. Last evaluated: 2023-09-25. Review status: criteria provided, single submitter. Criteria: ARUP Molecular Germline Variant Investigation Process 2024. Collection method: clinical testing. Allele origin: germline.

Genome-Nilou Lab
Classification: Likely benign for Adams-Oliver syndrome 5. Last evaluated: 2022-03-15. Review status: criteria provided, single submitter. Criteria: ACMG Guidelines, 2015. Collection method: clinical testing. Allele origin: germline. Affected: no.

Genome-Nilou Lab
Classification: Likely benign for Aortic valve disease 1. Last evaluated: 2022-03-15. Review status: criteria provided, single submitter. Criteria: ACMG Guidelines, 2015. Collection method: clinical testing. Allele origin: germline. Affected: no.

Center for Human Genetics, Inc
Classification: Likely benign for Connective tissue disorder. Last evaluated: 2018-06-01. Review status: criteria provided, single submitter. Criteria: ACMG Guidelines, 2015. Collection method: clinical testing. Allele origin: germline. Affected: yes.

GeneDx
Classification: Likely benign. Last evaluated: 2018-04-19. Review status: criteria provided, single submitter. Criteria: GeneDx Variant Classification (06012015). Collection method: clinical testing. Allele origin: germline. Affected: yes.
Comment: This variant is considered likely benign or benign based on one or more of the following criteria: it is a conservative change, it occurs at a poorly conserved position in the protein, it is predicted to be benign by multiple in silico algorithms, and/or has population frequency not consistent with disease.

Ambry Genetics
Classification: Likely benign for Familial thoracic aortic aneurysm and aortic dissection. Last evaluated: 2016-08-09. Review status: criteria provided, single submitter. Criteria: Ambry Variant Classification Scheme 2023. Collection method: clinical testing. Allele origin: germline.

CHEO Genetics Diagnostic Laboratory, Children's Hospital of Eastern Ontario
Classification: Likely benign for Familial thoracic aortic aneurysm and aortic dissection. Last evaluated: 2016-02-18. Review status: criteria provided, single submitter. Criteria: ACMG Guidelines, 2015. Collection method: clinical testing. Allele origin: germline. Study: Canadian Open Genetics Repository.

NM_017617.5(NOTCH1):c.6744C>T (p.Asn2248=)

Gene: NOTCH1 (notch receptor 1; minus strand). Cytogenetic location: 9q34.3.
Variant type: single nucleotide variant.
Coding change: c.6744C>T on transcript NM_017617.5 (MANE Select); coding-DNA position 6744, C replaced by T.
Protein change: p.Asn2248=; no amino-acid change (asparagine 2248 retained).
Molecular consequence: synonymous variant.
Genome position (GRCh38, 1-based): chr9:136,496,995, G>A on the plus strand (C>T on the coding strand, the complement: NOTCH1 is on the minus strand). VCF-style: chr9-136496995-G-A. GRCh37 (hg19) VCF-style: chr9-139391447-G-A.
Other names: c.6744C>T, p.Asn2248= (LRG_1122t1).
Identifiers: ClinVar variation 520023 (VCV000520023.19), dbSNP rs372771288, ClinGen allele CA5339832.